The following is an entry in ClinVar:

ClinVar aggregate classification (germline): Pathogenic (1 of 4 stars; one submission).

Conditions:
Hereditary cancer-predisposing syndrome. Also called: Neoplastic Syndromes, Hereditary; Tumor predisposition; Hereditary Cancer Syndrome; Hereditary neoplastic syndrome. Identifiers: Orphanet 140162, MedGen C0027672, MeSH D009386, MONDO:0015356.

Submission:

Ambry Genetics
Classification: Pathogenic for Hereditary cancer-predisposing syndrome. Last evaluated: 2016-03-04. Review status: criteria provided, single submitter. Criteria: Ambry Variant Classification Scheme 2023. Collection method: clinical testing. Allele origin: germline.
Comment: The c.824_833dup10 pathogenic mutation, located in coding exon 9 of the BRCA1 gene, results from a duplication of GCACAAATAC between nucleotide position 824 and 833, causing a translational frameshift with a predicted alternate stop codon. This pathogenic mutation, also referred to as 943ins10 in the literature, has been reported as an African founder mutation in multiple HBOC families from around the world with African ancestry (Mefford HC et al. Am. J. Hum. Genet. 1999 Aug; 65(2):575-8;Panguluri RC et al. Hum. Genet.;1999. 105(1-2):28-31; Pal T et al. Cancer Epidemiol. Biomarkers Prev. 2004 Nov; 13(11 Pt 1):1794-9; Fackenthal JD et al. Nat. Rev. Cancer 2007 Dec; 7(12):937-48). In addition to the clinical data presented in the literature, since frameshifts are typically deleterious in nature, this alteration is interpreted as a disease-causing mutation (ACMG Recommendations for Standards for Interpretation and Reporting of Sequence Variations. Revision 2007. Genet Med. 2008;10:294).

NM_007294.4(BRCA1):c.824_833dup (p.Ala280fs)

Gene: BRCA1 (BRCA1 DNA repair associated; minus strand). Cytogenetic location: 17q21.31.
Variant type: Duplication.
Coding change: c.824_833dup on transcript NM_007294.4 (MANE Select); coding-DNA positions 824 to 833, 10 bases duplicated (GCACAAATAC; older notation c.824_833dupGCACAAATAC).
Protein change: p.Ala280fs; shifts the reading frame from alanine 280.
Molecular consequence: frameshift variant. On other transcripts: 5 prime UTR variant (2), intron variant (137).
Genome position (GRCh38, 1-based): chr17:43,094,698-43,094,707, GTATTTGTGC duplicated on the plus strand (GCACAAATAC on the coding strand, the reverse complement: BRCA1 is on the minus strand). VCF-style (leftmost placement, unchanged base first): chr17-43094697-A-AGTATTTGTGC. GRCh37 (hg19) VCF-style: chr17-41246714-A-AGTATTTGTGC.
Other names: c.824_833dup10 (NM_007294.3); c.611_620dup, p.Ala209fs (NM_001407571.1, NM_001407853.1, NM_001407894.1 and 9 more transcripts); c.824_833dup, p.Ala280fs (NM_001407581.1, NM_001407582.1, NM_001407583.1 and 30 more transcripts); c.821_830dup, p.Ala279fs (NM_001407587.1, NM_001407590.1, NM_001407591.1 and 22 more transcripts); c.815_824dup, p.Ala277fs (NM_001407646.1, NM_001407647.1); c.701_710dup, p.Ala239fs (NM_001407648.1, NM_001407664.1, NM_001407665.1 and 19 more transcripts); c.698_707dup, p.Ala238fs (NM_001407649.1, NM_001407670.1, NM_001407671.1 and 11 more transcripts); c.746_755dup, p.Ala254fs (NM_001407653.1, NM_001407654.1, NM_001407655.1 and 4 more transcripts); and 41 more; short protein forms A233fs, A280fs, A153fs, A213fs, A169fs, A191fs, A210fs, A232fs.
Identifiers: ClinVar variation 1762594 (VCV001762594.2), dbSNP rs2552228760, ClinGen allele CA2580094060.